The following is an entry in ClinVar:

NM_000553.6(WRN):c.4028T>C (p.Ile1343Thr)

Gene: WRN (WRN RecQ like helicase; plus strand). Cytogenetic location: 8p12.
Variant type: single nucleotide variant.
Coding change: c.4028T>C on transcript NM_000553.6 (MANE Select); coding-DNA position 4028, T replaced by C.
Protein change: p.Ile1343Thr; replaces isoleucine 1343 with threonine.
Molecular consequence: missense variant.
Genome position (GRCh38, 1-based): chr8:31,167,067, T>C. VCF-style: chr8-31167067-T-C. GRCh37 (hg19) VCF-style: chr8-31024583-T-C.
Other names: short protein forms I1343T.
Identifiers: ClinVar variation 1406478 (VCV001406478.4), dbSNP rs770796609, ClinGen allele CA4705247.

ClinVar aggregate classification (germline): Uncertain significance (1 of 4 stars; one submission).

Conditions:
Werner syndrome (WRN). Identifiers: Orphanet 902, MedGen C0043119, MONDO:0010196, OMIM 277700.

Allele frequency attached by ClinVar (database versions not stated): gnomAD 0.00001; gnomAD exomes 0.00001 and 0.00002; ExAC 0.00002.
gnomAD v4.1: 18 of 1,613,206 alleles (0.0011%); highest among the groups gnomAD compares: South Asian, 0.02%; 1 homozygote.

Submission:

Labcorp Genetics (formerly Invitae), Labcorp
Classification: Uncertain significance for Werner syndrome. Last evaluated: 2025-05-27. Review status: criteria provided, single submitter. Criteria: Invitae Variant Classification Sherloc (09022015). Collection method: clinical testing. Allele origin: germline.
Comment: This sequence change replaces isoleucine, which is neutral and non-polar, with threonine, which is neutral and polar, at codon 1343 of the WRN protein (p.Ile1343Thr). This variant is present in population databases (rs770796609, gnomAD 0.02%). This variant has not been reported in the literature in individuals affected with WRN-related conditions. ClinVar contains an entry for this variant (Variation ID: 1406478). An algorithm developed to predict the effect of missense changes on protein structure and function (PolyPhen-2) suggests that this variant is likely to be disruptive. In summary, the available evidence is currently insufficient to determine the role of this variant in disease. Therefore, it has been classified as a Variant of Uncertain Significance.